The following is an entry in ClinVar:

NM_025179.4(PLXNA2):c.4923C>T (p.Ile1641=)

Gene: PLXNA2 (plexin A2; minus strand). Cytogenetic location: 1q32.2.
Variant type: single nucleotide variant.
Coding change: c.4923C>T on transcript NM_025179.4 (MANE Select); coding-DNA position 4923, C replaced by T.
Protein change: p.Ile1641=; no amino-acid change (isoleucine 1641 retained).
Molecular consequence: synonymous variant.
Genome position (GRCh38, 1-based): chr1:208,033,451, G>A on the plus strand (C>T on the coding strand, the complement: PLXNA2 is on the minus strand). VCF-style: chr1-208033451-G-A. GRCh37 (hg19) VCF-style: chr1-208206796-G-A.
Identifiers: ClinVar variation 4989483 (VCV004989483.1).

ClinVar aggregate classification (germline): Likely benign (1 of 4 stars; one submission).

Conditions:
PLXNA2-related disorder. Also called: PLXNA2-related condition.

Submission:

PreventionGenetics, part of Exact Sciences
Classification: Likely benign for PLXNA2-related condition. Last evaluated: 2025-12-17. Review status: criteria provided, single submitter. Criteria: ACMG Guidelines, 2015. Collection method: clinical testing. Allele origin: germline.
Comment: This variant is classified as likely benign based on ACMG/AMP sequence variant interpretation guidelines (Richards et al. 2015 PMID: 25741868, with internal and published modifications).